The following continues an entry in ClinVar:

NM_000371.4(TTR):c.148G>A (p.Val50Met)

Gene: TTR. ClinVar aggregate classification (germline): Pathogenic. Pathogenic (36).

Submissions 8 to 19 of 44:

ARUP Laboratories, Molecular Genetics and Genomics, ARUP Laboratories
Classification: Pathogenic. Last evaluated: 2025-03-23. Review status: criteria provided, single submitter. Criteria: ARUP Molecular Germline Variant Investigation Process 2024. Collection method: clinical testing. Allele origin: germline.
Comment: The TTR c.148G>A; p.Val50Met variant (rs28933979, ClinVar Variation ID: 13417), also known as Val30Met, is the most common pathogenic TTR variant associated with familial amyloidotic polyneuropathy worldwide (Parman 2016). The variant has a variable clinical presentation ranging from asymptomatic carriers to systemic disease, having early-late onset disease subtypes (Arvidsson 2015, Beirao 2015, Coelho 2017, Parman 2016). This variant is found in the general population with an overall allele frequency of 0.01% (26/251,462 alleles) in the Genome Aggregation Database (v2.1.1). Additionally, other variants at this codon (p.Val50Ala, p.Val50Leu) have been reported in individuals with amyloid neuropathy and are considered pathogenic (Altland 2007, Suhr 2009). Functional studies suggest the p.Val50Met variant refolds from monomers to tetramers at a slower rate compared to wildtype (Jesus 2016), has decreased stability in the folded state (Altland 2007), and impairs the inflammatory response necessary for nerve regeneration (Goncalves 2014). Computational analyses predict that this variant is deleterious (REVEL: 0.711). Based on available information, the p.Val50Met variant is considered to be pathogenic. References: Altland K et al. Genetic microheterogeneity of human transthyretin detected by IEF. Electrophoresis. 2007 Jun;28(12):2053-64. PMID: 17503405. Arvidsson S et al. Amyloid Cardiomyopathy in Hereditary Transthyretin V30M Amyloidosis - Impact of Sex and Amyloid Fibril Composition. PLoS One. 2015 Nov 23;10(11):e0143456. PMID: 26600306. Beirao JM et al. Ophthalmological manifestations in hereditary transthyretin (ATTR V30M) carriers: a review of 513 cases. Amyloid. 2015;22(2):117-22. PMID: 26096568. Coelho T et al. Clinical measures in transthyretin familial amyloid polyneuropathy. Muscle Nerve. 2017 Mar;55(3):323-332. PMID: 27422379. Goncalves NP et al. The inflammatory response to sciatic nerve injury in a familial amyloidotic polyneuropathy mouse model. Exp Neurol. 2014 Jul;257:76-87. PMID: 24800914. Jesus CS et al. A New Folding Kinetic Mechanism for Human Transthyretin and the Influence of the Amyloidogenic V30M Mutation. Int J Mol Sci. 2016 Aug 31;17(9). PMID: 27589730. Parman Y et al. Sixty years of transthyretin familial amyloid polyneuropathy (TTR-FAP) in Europe: where are we now? A European network approach to defining the epidemiology and management patterns for TTR-FAP. Curr Opin Neurol. 2016 Feb;29 Suppl 1:S3-S13. PMID: 26734951. Suhr OB et al. Report of five rare or previously unknown amyloidogenic transthyretin mutations disclosed in Sweden. Amyloid. 2009 Dec;16(4):208-14. PMID: 19922332.

Revvity Omics, Revvity
Classification: Pathogenic. Last evaluated: 2025-01-28. Review status: criteria provided, single submitter. Criteria: ACMG Guidelines, 2015. Collection method: clinical testing. Allele origin: germline.

GeneDx
Classification: Pathogenic. Last evaluated: 2025-01-22. Review status: criteria provided, single submitter. Criteria: GeneDx Variant Classification Process June 2021. Collection method: clinical testing. Allele origin: germline. Affected: yes.
Comment: In silico analysis indicates that this missense variant does not alter protein structure/function; Also known as p.(V30M); This variant is associated with the following publications: (PMID: 24455802, 24164154, 15820680, 18276611, 19602727, 26521788, 28475415, 29540472, 26513367, 28635949, 30811423, 18925456, 24555660, 23387326, 23993291, 22531659, 23080516, 17503405, 24800914, 24474780, 26115039, 27589730, 26104852, 27793437, 6736244, 18606975, 26096568, 19808383, 22382560, 26017327, 22620962, 24601850, 23833285, 22745357, 25525159, 25550818, 26115788, 19364362, 24046394, 20209591, 24101130, 22592564, 30243104, 30019395, 30213731, 31343348, 31371117, 30572722, 31718691, 29520877, 31919945, 32269295, 31589614, 32674397, 32399692, 32880476, 35142241, 35903975, 35945697, 35358243, 34980537, 35893595, 33739616, 33373035, 32528171, 3479441, 34440326, 31701603, 32852783, 11523162, 32893242, 3762958, 18506713, 26587769, 32376792, 33726816, 34024775, 24395461, 3229002, 34059423, 34461735, 26537620, 26600212, 34658264, 35751086, 36228827, 37273706, 26342004, 27212678, 39033325, 38968664, 20301373)

Blueprint Genetics
Classification: Pathogenic for TTR-related disorders. Last evaluated: 2024-11-25. Review status: criteria provided, single submitter. Criteria: ACMG Guidelines, 2015. Collection method: clinical testing. Allele origin: germline. Affected: yes. Observed: 5 variant alleles.

Institute of Human Genetics, Heidelberg University
Classification: Pathogenic for Amyloidosis, hereditary systemic 1. Last evaluated: 2024-10-11. Review status: criteria provided, single submitter. Criteria: ACMG Guidelines, 2015. Collection method: clinical testing. Allele origin: unknown.
Comment: secondary finding

Victorian Clinical Genetics Services, Murdoch Childrens Research Institute
Classification: Pathogenic for Amyloidosis, hereditary systemic 1. Last evaluated: 2024-10-08. Review status: criteria provided, single submitter. Criteria: ACMG Guidelines, 2015. Collection method: clinical testing. Allele origin: germline. Inheritance: Autosomal dominant inheritance.
Comment: Based on the classification scheme VCGS_Germline_v1.3.4, this variant is classified as Pathogenic. Following criteria are met: 0101 - Gain of function is a known mechanism of disease in this gene and is associated with hereditary amyloidosis, transthyretin-related (MIM#105210) and familial carpal tunnel syndrome (MIM#115430). (I) 0107 - This gene is associated with autosomal dominant disease. (I) 0112 - The condition associated with this gene has incomplete penetrance. Penetrance may vary by variant, geographic region, or ethnic group (PMID: 20301373). (I) 0200 - Variant is predicted to result in a missense amino acid change from valine to methionine. (I) 0251 - This variant is heterozygous. (I) 0302 - Variant is present in gnomAD (v2) <0.001 for a dominant condition (26 heterozygotes, 0 homozygotes). (SP) 0502 - Missense variant with conflicting in silico predictions and high conservation. (I) 0600 - Variant is located in the annotated transthyretin domain (DECIPHER). (I) 0801 - This variant has strong previous evidence of pathogenicity in unrelated individuals. This variant, also referred to as p.(Val30Met), is the most common pathogenic variant associated with hereditary transthyretin amyloidosis (PMID: 20301373). (I) Legend: (SP) - Supporting pathogenic, (I) - Information, (SB) - Supporting benign

Institute of Immunology and Genetics Kaiserslautern
Classification: Pathogenic for Amyloidosis, hereditary systemic 1. Last evaluated: 2024-06-14. Review status: criteria provided, single submitter. Criteria: ACMG Guidelines, 2015. Collection method: clinical testing. Allele origin: germline. Affected: yes.
Comment: ACMG Criteria: PP1, PP3, PP5, PM2_P, PM5, PS3; Variant was found in heterozygous state

Athena Diagnostics
Classification: Pathogenic. Last evaluated: 2024-04-12. Review status: criteria provided, single submitter. Criteria: Athena Diagnostics Criteria. Collection method: clinical testing. Allele origin: unknown.
Comment: Val50Met is the most common variant associated with TTR-related hereditary amyloidosis; therefore, the frequency of this variant in the general population is consistent with pathogenicity (Genome Aggregation Database (gnomAD), Cambridge, MA (URL)). This variant has also been reported in patients with cardiac involvement with and without neuropathy (PMID: 19808383, 20209591, 23993291). This variant occurs as the most likely explanation for disease in a significant number of internal cases, suggesting this variant is associated with disease. Multiple missense variants at this codon, including at least one considered to be pathogenic or likely pathogenic, have been reported in individuals with clinical features associated with this gene. This variant is also referred to as Val30Met in published literature. This variant segregates with disease in multiple families. Assessment of experimental evidence suggests this variant results in abnormal protein function. (PMID: 17503405, 15820680, 35903975)

Clinical Genetics Laboratory, Skane University Hospital Lund
Classification: Pathogenic. Last evaluated: 2024-03-28. Review status: criteria provided, single submitter. Criteria: ACMG Guidelines, 2015. Collection method: clinical testing. Allele origin: germline. Affected: yes.

Molecular Diagnostic Laboratory for Inherited Cardiovascular Disease, Montreal Heart Institute
Classification: Pathogenic for Cardiovascular phenotype. Last evaluated: 2023-12-22. Review status: criteria provided, single submitter. Criteria: ACMG Guidelines, 2015. Collection method: clinical testing. Allele origin: germline. Affected: yes.
Comment: PS3, PS4, PP1_strong, PM2, PM5, PP2, PP3, PP5

Clinical Genomics Laboratory, Stanford Medicine
Classification: Pathogenic for Amyloidosis, hereditary systemic 1. Last evaluated: 2023-08-21. Review status: criteria provided, single submitter. Criteria: ACMG Guidelines, 2015. Collection method: clinical testing. Allele origin: germline. Inheritance: Autosomal dominant inheritance. Observed: 1 variant allele, 1 heterozygote.
Comment: The p.Val50Met, also known as p.Val30Met, variant in the TTR gene is the most common pathogenic variant associated with hereditary transthyretin amyloidosis and is typically identified in individuals of Portuguese, Swedish, and Japanese ancestry (Sekijima, 2021). The p.Val50Met variant is associated with a variable clinical presentation including both early and late-onset amyloid polyneuropathy, as well as asymptomatic carriers (Waddington-Cruz et al., 2021; Coelho et al., 2022). Individuals who are homozygous for p.Val50Met can manifest more severe symptoms than heterozygotes (Munar-Qués et al., 2001; Tojo et al., 2008). This variant has been identified in 19/113,746 European non-Finnish chromosomes (26/251,462 chromosomes overall) by the Genome Aggregation Database. This variant is present in ClinVar (VCV000013417.96). Multiple functional studies have demonstrated that this variant disrupts TTR protein function (Altland et al., 2007; Gonçalves et al., 2014; Jesus et al., 2016). The valine at position 50 is evolutionarily conserved. Computational tools predict that the p.Val50Met variant is deleterious; however, the accuracy of in silico algorithms is limited. These data were assessed using the ACMG/AMP variant interpretation guidelines. In summary, there is sufficient evidence to classify the p.Val50Met variant as pathogenic for autosomal dominant hereditary transthyretin amyloidosis based on the information above. [ACMG evidence codes used: PS4_Very Strong; PS3; PM2; PP3]

CHEO Genetics Diagnostic Laboratory, Children's Hospital of Eastern Ontario
Classification: Pathogenic for Cardiomyopathy. Last evaluated: 2023-01-30. Review status: criteria provided, single submitter. Criteria: ACMG Guidelines, 2015. Collection method: clinical testing. Allele origin: germline. Study: Canadian Open Genetics Repository.